The following is an entry in ClinVar:

NM_001261826.3(AP3D1):c.604G>A (p.Ala202Thr)

Gene: AP3D1 (adaptor related protein complex 3 subunit delta 1; minus strand). Cytogenetic location: 19p13.3.
Variant type: single nucleotide variant.
Coding change: c.604G>A on transcript NM_001261826.3 (MANE Select); coding-DNA position 604, G replaced by A.
Protein change: p.Ala202Thr; replaces alanine 202 with threonine.
Molecular consequence: missense variant.
Genome position (GRCh38, 1-based): chr19:2,129,446, C>T on the plus strand (G>A on the coding strand, the complement: AP3D1 is on the minus strand). VCF-style: chr19-2129446-C-T. GRCh37 (hg19) VCF-style: chr19-2129445-C-T.
Other names: c.604G>A, p.Ala202Thr (NM_001374799.1, NM_003938.8); short protein forms A202T.
Identifiers: ClinVar variation 1425699 (VCV001425699.8), dbSNP rs2145107925, ClinGen allele CA403227718.

ClinVar aggregate classification (germline): Uncertain significance (1 of 4 stars; one submission).

Allele frequency attached by ClinVar (database versions not stated): gnomAD exomes below 0.00001.

Submission:

Labcorp Genetics (formerly Invitae), Labcorp
Classification: Uncertain significance. Last evaluated: 2024-10-24. Review status: criteria provided, single submitter. Criteria: Invitae Variant Classification Sherloc (09022015). Collection method: clinical testing. Allele origin: germline.
Comment: This sequence change replaces alanine, which is neutral and non-polar, with threonine, which is neutral and polar, at codon 202 of the AP3D1 protein (p.Ala202Thr). This variant is not present in population databases (gnomAD no frequency). This variant has not been reported in the literature in individuals affected with AP3D1-related conditions. ClinVar contains an entry for this variant (Variation ID: 1425699). An algorithm developed to predict the effect of missense changes on protein structure and function (PolyPhen-2) suggests that this variant is likely to be disruptive. In summary, the available evidence is currently insufficient to determine the role of this variant in disease. Therefore, it has been classified as a Variant of Uncertain Significance.